The following is an entry in ClinVar:

NM_000535.7(PMS2):c.1630G>A (p.Asp544Asn)

Gene: PMS2 (PMS1 homolog 2, mismatch repair system component; minus strand). Cytogenetic location: 7p22.1.
Variant type: single nucleotide variant.
Coding change: c.1630G>A on transcript NM_000535.7 (MANE Select); coding-DNA position 1630, G replaced by A.
Protein change: p.Asp544Asn; replaces aspartic acid 544 with asparagine.
Molecular consequence: missense variant. On other transcripts: non-coding transcript variant (1).
Genome position (GRCh38, 1-based): chr7:5,987,135, C>T on the plus strand (G>A on the coding strand, the complement: PMS2 is on the minus strand). VCF-style: chr7-5987135-C-T. GRCh37 (hg19) VCF-style: chr7-6026766-C-T.
Other names: c.1225G>A, p.Asp409Asn (NM_001322003.2, NM_001322004.2, NM_001322005.2 and 1 more transcripts); c.1474G>A, p.Asp492Asn (NM_001322006.2); c.1312G>A, p.Asp438Asn (NM_001322007.2, NM_001322008.2); c.1069G>A, p.Asp357Asn (NM_001322010.2); c.697G>A, p.Asp233Asn (NM_001322011.2, NM_001322012.2); c.1057G>A, p.Asp353Asn (NM_001322013.2); c.1630G>A, p.Asp544Asn (NM_001322014.2); c.1321G>A, p.Asp441Asn (NM_001322015.2); short protein forms D544N, D353N, D441N, D492N, D409N, D438N, D233N, D357N.
Identifiers: ClinVar variation 233022 (VCV000233022.27), dbSNP rs876660139, ClinGen allele CA10578671.
Genomic context (GRCh38, chr7:5,987,135, plus strand): 5'-CTCGAAATTTACATCCGGTATCTTCCTGGTTTGAATGGCAGTCCACATCTGAAAAAGAGT[C>T]GTCAGTTTTAGGCGCTTTCTCCTGAGAGTCCACATGTTCCTGCGAGCCCCTGTCCCCTGG-3'
Protein context (NP_000526.2, residues 534-554): DSQEKAPKTD[Asp544Asn]SFSDVDCHSN

ClinVar aggregate classification (germline): Uncertain significance. Review status: criteria provided, multiple submitters, no conflicts (2 of 4 stars). 7 submissions from 7 submitters: Uncertain significance (6). 1 of the submissions does not count toward it. Last evaluated 2026-01-24.

Conditions:
Hereditary nonpolyposis colorectal neoplasms. Identifiers: MedGen C0009405, MeSH D003123.
Hereditary cancer-predisposing syndrome. Also called: Neoplastic Syndromes, Hereditary; Tumor predisposition; Hereditary Cancer Syndrome; Hereditary neoplastic syndrome. Identifiers: Orphanet 140162, MedGen C0027672, MeSH D009386, MONDO:0015356.
Lynch syndrome. Identifiers: Orphanet 144, MedGen C4552100, MONDO:0005835. Disease mechanism: loss of function.
Endometrial carcinoma. Also called: Endometrial carcinoma, somatic. Identifiers: MedGen C0476089, MONDO:0002447, OMIM 608089, HP:0012114.

Allele frequency attached by ClinVar (database versions not stated): gnomAD exomes below 0.00001; gnomAD 0.00001; TOPMed 0.00001.
gnomAD v4.1: 2 of 1,613,746 alleles (0.00012%); highest among the groups gnomAD compares: Non-Finnish European, 0.00017%; no homozygotes.

Submissions (7):

Labcorp Genetics (formerly Invitae), Labcorp
Classification: Uncertain significance for Hereditary nonpolyposis colorectal neoplasms. Last evaluated: 2026-01-24. Review status: criteria provided, single submitter. Criteria: Invitae Variant Classification Sherloc (09022015). Collection method: clinical testing. Allele origin: germline.
Comment: This sequence change replaces aspartic acid, which is acidic and polar, with asparagine, which is neutral and polar, at codon 544 of the PMS2 protein (p.Asp544Asn). This variant is not present in population databases (gnomAD no frequency). This variant has not been reported in the literature in individuals affected with PMS2-related conditions. ClinVar contains an entry for this variant (Variation ID: 233022). Invitae Evidence Modeling incorporating data from in vitro experimental studies (internal data) indicates that this missense variant is not expected to disrupt PMS2 function with a negative predictive value of 95%. In summary, the available evidence is currently insufficient to determine the role of this variant in disease. Therefore, it has been classified as a Variant of Uncertain Significance.

Ambry Genetics
Classification: Uncertain significance for Hereditary cancer-predisposing syndrome. Last evaluated: 2025-08-26. Review status: criteria provided, single submitter. Criteria: Ambry Variant Classification Scheme 2023. Collection method: clinical testing. Allele origin: germline.
Comment: The p.D544N variant (also known as c.1630G>A), located in coding exon 11 of the PMS2 gene, results from a G to A substitution at nucleotide position 1630. The aspartic acid at codon 544 is replaced by asparagine, an amino acid with highly similar properties. This amino acid position is poorly conserved in available vertebrate species. In addition, this alteration is predicted to be tolerated by in silico analysis. Based on the available evidence, the clinical significance of this variant remains unclear.

All of Us Research Program, National Institutes of Health
Classification: Uncertain significance for Lynch syndrome. Last evaluated: 2024-05-09. Review status: criteria provided, single submitter. Criteria: ACMG Guidelines, 2015. Collection method: clinical testing. Allele origin: germline. Inheritance: Autosomal dominant inheritance. Observed: 3 variant alleles, 3 heterozygotes.
Comment: This missense variant replaces aspartic acid with asparagine at codon 544 of the PMS2 protein. Computational prediction suggests that this variant may not impact protein structure and function (internally defined REVEL score threshold <= 0.5, PMID: 27666373). To our knowledge, functional studies have not been reported for this variant. This variant has not been reported in individuals affected with PMS2-related disorders in the literature. This variant has not been identified in the general population by the Genome Aggregation Database (gnomAD). The available evidence is insufficient to determine the role of this variant in disease conclusively. Therefore, this variant is classified as a Variant of Uncertain Significance.

This study involves interpretation of variants in research participants for the purpose of population health screening. Participant phenotype was not available at the time of variant classification. Additional details can be found in publication PMID: 35346344, PMCID: PMC8962531

Color Diagnostics, LLC DBA Color Health
Classification: Uncertain significance for Hereditary cancer-predisposing syndrome. Last evaluated: 2024-02-21. Review status: criteria provided, single submitter. Criteria: ACMG Guidelines, 2015. Collection method: clinical testing. Allele origin: germline.
Comment: This missense variant replaces aspartic acid with asparagine at codon 544 of the PMS2 protein. Computational prediction suggests that this variant may not impact protein structure and function (internally defined REVEL score threshold <= 0.5, PMID: 27666373). To our knowledge, functional studies have not been reported for this variant. This variant has not been reported in individuals affected with PMS2-related disorders in the literature. This variant has not been identified in the general population by the Genome Aggregation Database (gnomAD). The available evidence is insufficient to determine the role of this variant in disease conclusively. Therefore, this variant is classified as a Variant of Uncertain Significance.

GeneDx
Classification: Uncertain significance. Last evaluated: 2022-12-25. Review status: criteria provided, single submitter. Criteria: GeneDx Variant Classification Process June 2021. Collection method: clinical testing. Allele origin: germline. Affected: yes.
Comment: Not observed at significant frequency in large population cohorts (gnomAD); In silico analysis supports that this missense variant does not alter protein structure/function; Identified in patients with hereditary breast cancer (Nikitin et al., 2020); This variant is associated with the following publications: (PMID: 32547938)

Genetic Services Laboratory, University of Chicago
Classification: Uncertain significance. Last evaluated: 2021-09-01. Review status: criteria provided, single submitter. Criteria: ACMG Guidelines, 2015. Collection method: clinical testing. Allele origin: germline. Affected: no.
Comment: DNA sequence analysis of the PMS2 gene demonstrated a sequence change, c.1630G>A, in exon 11 that results in an amino acid change, p.Asp544Asn. This sequence change has not been described in population databases including ExAC and gnomAD (dbSNP rs876660139). The p.Asp544Asn change affects a poorly conserved amino acid residue located in a domain of the PMS2 protein that is not known to be functional. The p.Asp544Asn substitution appears to be benign using several in-silico pathogenicity prediction tools (SIFT, PolyPhen2, Align GVGD, REVEL). This sequence change has been described in individuals with a personal history of breast cancer (PMID: 32547938). Due to insufficient evidences and the lack of functional studies, the clinical significance of the p.Asp544Asn change remains unknown at this time.

Department of Pathology and Laboratory Medicine, Sinai Health System
Classification: Uncertain significance for Endometrial carcinoma. Review status: no assertion criteria provided. Collection method: clinical testing. Allele origin: unknown. Affected: yes. Study: The Canadian Open Genetics Repository (COGR). Not counted in ClinVar's aggregate classification.
Comment: The p.Asp544Asn was not identified in the literature nor was identified in the GeneInsight, HGMD, COSMIC, Mut, MMR, InSiGHT Colon Cancer and ClinVar databases. Although the p.Asp544 residue is not conserved in mammals and lower organisms, computational analyses (PolyPhen2, SIFT, AlignGVGD, BLOSUM) suggest that the variant may impact the protein. In summary, based on the above information, the clinical significance of this variant cannot be determined with certainty at this time. This variant is classified as a Variant of unknown significance.

Literature cited by the submitters: PubMed 32547938 (cited by Ambry Genetics).